The following is an entry in ClinVar:

NM_020549.5(CHAT):c.1978-13_1980del

Gene: CHAT (choline O-acetyltransferase; plus strand). Cytogenetic location: 10q11.23.
Variant type: Deletion.
Coding change: c.1978-13_1980del on transcript NM_020549.5 (MANE Select); 13 bases into the intron before coding-DNA position 1978 through coding-DNA position 1980, 16 bases deleted (TCCTCTCCTCCAGGTG).
Molecular consequence: splice acceptor variant.
Genome position (GRCh38, 1-based): chr10:49,664,764-49,664,779, TCCTCTCCTCCAGGTG deleted; deleting any 16 consecutive bases within chr10:49,664,762-49,664,779 gives the same sequence; the c. name uses the placement nearest the transcript's 3' end. VCF-style (leftmost placement, unchanged base first): chr10-49664761-CTGTCCTCTCCTCCAGG-C. GRCh37 (hg19) VCF-style: chr10-50872807-CTGTCCTCTCCTCCAGG-C.
Other names: c.1624-13_1626del (NM_020984.4, NM_020985.4, NM_020986.4 and 2 more transcripts); c.1732-13_1734del (NM_001142933.2).
Identifiers: ClinVar variation 4731547 (VCV004731547.1).

ClinVar aggregate classification (germline): Uncertain significance (1 of 4 stars; one submission).

Conditions:
Familial infantile myasthenia (CMS6). Also called: MYASTHENIC SYNDROME, PRESYNAPTIC, CONGENITAL, ASSOCIATED WITH EPISODIC APNEA; Congenital myasthenic syndrome type 6; MYASTHENIC SYNDROME, CONGENITAL, 6, PRESYNAPTIC. Identifiers: Orphanet 590, MedGen C0393929, MONDO:0009689, OMIM 254210.

Submission:

Labcorp Genetics (formerly Invitae), Labcorp
Classification: Uncertain significance for Familial infantile myasthenia. Last evaluated: 2025-11-21. Review status: criteria provided, single submitter. Criteria: Invitae Variant Classification Sherloc (09022015). Collection method: clinical testing. Allele origin: germline.
Comment: This variant results in the deletion of part of exon 15 (c.1978-13_1980del) of the CHAT gene. While this variant is not anticipated to result in nonsense mediated decay, it likely alters RNA splicing and results in a disrupted protein product. This variant is not present in population databases (gnomAD no frequency). This variant has not been reported in the literature in individuals affected with CHAT-related conditions. Variants that disrupt the consensus splice site are a relatively common cause of aberrant splicing (PMID: 17576681, 9536098). Experimental studies and prediction algorithms are not available or were not evaluated, and the effect of this variant on mRNA splicing is currently unknown. In summary, the available evidence is currently insufficient to determine the role of this variant in disease. Therefore, it has been classified as a Variant of Uncertain Significance.

Literature cited by the submitters: PubMed 17576681; PubMed 9536098.